The following is an entry in ClinVar:

NM_015846.4(MBD1):c.1410G>A (p.Pro470=)

Gene: MBD1 (methyl-CpG binding domain protein 1; minus strand). Cytogenetic location: 18q21.1.
Variant type: single nucleotide variant.
Coding change: c.1410G>A on transcript NM_015846.4 (MANE Select); coding-DNA position 1410, G replaced by A.
Protein change: p.Pro470=; no amino-acid change (proline 470 retained).
Molecular consequence: synonymous variant.
Genome position (GRCh38, 1-based): chr18:50,273,600, C>T on the plus strand (G>A on the coding strand, the complement: MBD1 is on the minus strand). VCF-style: chr18-50273600-C-T. GRCh37 (hg19) VCF-style: chr18-47799970-C-T.
Other names: c.1410G>A, p.Pro470= (NM_001204136.2, NM_001204139.2, NM_001204142.2 and 7 more transcripts); c.1485G>A, p.Pro495= (NM_001204137.2, NM_001323942.2, NM_001323947.2 and 11 more transcripts); c.1482G>A, p.Pro494= (NM_001204138.2, NM_001388141.1); c.1317G>A, p.Pro439= (NM_001204140.2, NM_001388139.1, NM_001388142.1 and 5 more transcripts); c.1260G>A, p.Pro420= (NM_001204141.2); c.1242G>A, p.Pro414= (NM_001204143.2, NM_001388144.1, NM_001388157.1 and 5 more transcripts); c.1341G>A, p.Pro447= (NM_001204151.3, NM_015845.4); c.978G>A, p.Pro326= (NM_001323949.2); and 6 more.
Identifiers: ClinVar variation 403072 (VCV000403072.6), dbSNP rs116701586, ClinGen allele CA8962844.

ClinVar aggregate classification (germline): Likely benign. Review status: criteria provided, single submitter (1 of 4 stars). 2 submissions from 2 submitters: Likely benign (1). 1 of the submissions does not count toward it. Last evaluated 2016-03-28.

Conditions:
MBD1-related disorder. Also called: MBD1-related condition.

Allele frequency attached by ClinVar (database versions not stated): 1000 Genomes Project 0.00080; 1000 Genomes Project 30x 0.00094; TOPMed 0.00210; gnomAD 0.00251 and 0.00267; ESP Exome Variant Server 0.00300; ExAC 0.00343.
gnomAD v4.1: 5,717 of 1,613,006 alleles (0.35%); highest among the groups gnomAD compares: Non-Finnish European, 0.41%; 18 homozygotes.

Submissions (2):

Laboratory for Molecular Medicine, Mass General Brigham Personalized Medicine
Classification: Likely benign. Last evaluated: 2016-03-28. Review status: criteria provided, single submitter. Criteria: LMM Criteria. Collection method: clinical testing. Allele origin: germline.
Comment: Variant identified in a genome or exome case(s) and assessed due to predicted null impact of the variant or pathogenic assertions in the literature or databases. Disclaimer: This variant has not undergone full assessment. The following are preliminary notes: Frequency in ESP (all): 39/13006=0.2%

PreventionGenetics, part of Exact Sciences
Classification: Likely benign for MBD1-related condition. Last evaluated: 2019-04-11. Review status: no assertion criteria provided. Collection method: clinical testing. Allele origin: germline. Not counted in ClinVar's aggregate classification.
Comment: This variant is classified as likely benign based on ACMG/AMP sequence variant interpretation guidelines (Richards et al. 2015 PMID: 25741868, with internal and published modifications).